The following is an entry in ClinVar:

ClinVar aggregate classification (germline): Uncertain significance (1 of 4 stars; one submission).

Submission:

Labcorp Genetics (formerly Invitae), Labcorp
Classification: Uncertain significance. Last evaluated: 2021-04-17. Review status: criteria provided, single submitter. Criteria: Invitae Variant Classification Sherloc (09022015). Collection method: clinical testing. Allele origin: germline.
Comment: In summary, the available evidence is currently insufficient to determine the role of this variant in disease. Therefore, it has been classified as a Variant of Uncertain Significance. Algorithms developed to predict the effect of missense changes on protein structure and function are either unavailable or do not agree on the potential impact of this missense change (SIFT: "Not Available"; PolyPhen-2: "Probably Damaging"; Align-GVGD: "Not Available"). This variant has not been reported in the literature in individuals with IDH3B-related conditions. This variant is not present in population databases (ExAC no frequency). This sequence change replaces isoleucine with methionine at codon 353 of the IDH3B protein (p.Ile353Met). The isoleucine residue is highly conserved and there is a small physicochemical difference between isoleucine and methionine.

NM_006899.5(IDH3B):c.1059C>G (p.Ile353Met)

Gene: IDH3B (isocitrate dehydrogenase (NAD(+)) 3 non-catalytic subunit beta; minus strand). Cytogenetic location: 20p13.
Variant type: single nucleotide variant.
Coding change: c.1059C>G on transcript NM_006899.5 (MANE Select); coding-DNA position 1059, C replaced by G.
Protein change: p.Ile353Met; replaces isoleucine 353 with methionine.
Molecular consequence: missense variant. On other transcripts: non-coding transcript variant (1).
Genome position (GRCh38, 1-based): chr20:2,659,537, G>C on the plus strand (C>G on the coding strand, the complement: IDH3B is on the minus strand). VCF-style: chr20-2659537-G-C. GRCh37 (hg19) VCF-style: chr20-2640183-G-C.
Other names: c.1059C>G, p.Ile353Met (NM_001258384.3, NM_001330763.2, NM_174855.4); short protein forms I353M.
Identifiers: ClinVar variation 1439475 (VCV001439475.6), dbSNP rs2146306653, ClinGen allele CA408033602.